The following is an entry in ClinVar:

ClinVar aggregate classification (germline): Benign. Review status: criteria provided, multiple submitters, no conflicts (2 of 4 stars). 2 submissions from 2 submitters: Benign (2). Last evaluated 2018-06-16.

Allele frequency attached by ClinVar (database versions not stated): 1000 Genomes Project 30x 0.01655; 1000 Genomes Project 0.01757; gnomAD 0.01881 and 0.02033; TOPMed 0.02174.
gnomAD v4.1: 5,092 of 1,334,980 alleles (0.38%); highest among the groups gnomAD compares: African/African-American, 6.5%; 145 homozygotes.

Submissions (2):

GeneDx
Classification: Benign. Last evaluated: 2018-06-16. Review status: criteria provided, single submitter. Criteria: GeneDx Variant Classification (06012015). Collection method: clinical testing. Allele origin: germline. Affected: yes.
Comment: This variant is considered likely benign or benign based on one or more of the following criteria: it is a conservative change, it occurs at a poorly conserved position in the protein, it is predicted to be benign by multiple in silico algorithms, and/or has population frequency not consistent with disease.

Breakthrough Genomics
Classification: Benign. Review status: criteria provided, single submitter. Criteria: ACMG Guidelines, 2015. Collection method: not provided. Allele origin: germline. Inheritance: Autosomal recessive inheritance. Affected: yes.

NM_015404.4(WHRN):c.1167-90G>A

Gene: WHRN (whirlin; minus strand). Cytogenetic location: 9q32.
Variant type: single nucleotide variant.
Coding change: c.1167-90G>A on transcript NM_015404.4 (MANE Select); 90 bases into the intron before coding-DNA position 1167, G replaced by A.
Molecular consequence: intron variant. On other transcripts: synonymous variant (1).
Genome position (GRCh38, 1-based): chr9:114,425,114, C>T on the plus strand (G>A on the coding strand, the complement: WHRN is on the minus strand). VCF-style: chr9-114425114-C-T. GRCh37 (hg19) VCF-style: chr9-117187394-C-T.
Other names: c.24G>A, p.Leu8= (NM_001346890.1); c.1167-90G>A (NM_001173425.2); c.18-90G>A (NM_001083885.3).
Identifiers: ClinVar variation 679519 (VCV000679519.2), dbSNP rs114621936, ClinGen allele CA5206044.